The following is an entry in ClinVar:

ClinVar aggregate classification (germline): Likely pathogenic (1 of 4 stars; one submission).

Conditions:
Duchenne muscular dystrophy (DMD). Also called: Duchenne Muscular Dystrophy (DMD); MUSCULAR DYSTROPHY, PSEUDOHYPERTROPHIC PROGRESSIVE, DUCHENNE TYPE. Identifiers: Orphanet 98896, MedGen C0013264, MONDO:0010679, OMIM 310200.

Submission:

Labcorp Genetics (formerly Invitae), Labcorp
Classification: Likely pathogenic for Duchenne muscular dystrophy. Last evaluated: 2019-10-03. Review status: criteria provided, single submitter. Criteria: Invitae Variant Classification Sherloc (09022015). Collection method: clinical testing. Allele origin: germline.
Comment: In summary, the currently available evidence indicates that the variant is pathogenic, but additional data are needed to prove that conclusively. Therefore, this variant has been classified as Likely Pathogenic. Loss-of-function variants in DMD are known to be pathogenic (PMID: 16770791, 25007885). This variant has not been reported in the literature in individuals with DMD-related conditions. This variant results in a copy number gain of the genomic region encompassing exons 2-55 of the DMD gene. While the exact position of this variant cannot be determined from this data, sub-genic copy number gains are generally in tandem (PMID: 25640679) and may result in an absent or disrupted protein product.

Literature cited by the submitters: PubMed 16770791; PubMed 25007885; PubMed 25640679.

NC_000023.11:g.(?_31609621)_(33020210_?)dup

Gene: DMD (dystrophin; minus strand). Cytogenetic location: Xp21.1.
Variant type: Duplication.
Identifiers: ClinVar variation 833020 (VCV000833020.3).